The following is an entry in ClinVar:

ClinVar aggregate classification (germline): Uncertain significance. Review status: criteria provided, multiple submitters, no conflicts (2 of 4 stars). 2 submissions from 2 submitters: Uncertain significance (2). Last evaluated 2025-01-31.

Conditions:
Tuberous sclerosis 2 (TSC2). Identifiers: Orphanet 805, MedGen C1860707, MONDO:0013199, OMIM 613254.
Hereditary cancer-predisposing syndrome. Also called: Hereditary neoplastic syndrome; Tumor predisposition; Neoplastic Syndromes, Hereditary; Hereditary Cancer Syndrome. Identifiers: Orphanet 140162, MedGen C0027672, MeSH D009386, MONDO:0015356.

Submissions (2):

Labcorp Genetics (formerly Invitae), Labcorp
Classification: Uncertain significance for Tuberous sclerosis 2. Last evaluated: 2025-01-31. Review status: criteria provided, single submitter. Criteria: Invitae Variant Classification Sherloc (09022015). Collection method: clinical testing. Allele origin: germline.
Comment: This variant results in the deletion of part of exon 32 (c.3815-21_3819del) of the TSC2 gene. Loss-of-function variants in TSC2 are known to be pathogenic (PMID: 10205261, 17304050). However, tissue-specific alternative splicing of TSC2 gene results in a functional isoform lacking in-frame exon 32 (also known as exon 31, PMID: 26703369). For this reason the clinical significance of loss of function variants in exon 32 is currently uncertain. This variant is not present in population databases (gnomAD no frequency). This variant has not been reported in the literature in individuals affected with TSC2-related conditions. ClinVar contains an entry for this variant (Variation ID: 2449971). Variants that disrupt the consensus splice site are a relatively common cause of aberrant splicing (PMID: 17576681, 9536098). In summary, the available evidence is currently insufficient to determine the role of this variant in disease. Therefore, it has been classified as a Variant of Uncertain Significance.

Ambry Genetics
Classification: Uncertain significance for Hereditary cancer-predisposing syndrome. Last evaluated: 2023-01-11. Review status: criteria provided, single submitter. Criteria: Ambry Variant Classification Scheme 2023. Collection method: clinical testing. Allele origin: germline.
Comment: The c.3815-21_3819del26 variant results from a deletion of 26 nucleotides between positions c.3815-21 and c.3819 and involves the canonical splice acceptor site beforecoding exon 31 of the TSC2 gene. The canonical splice acceptor site is well) conserved in available vertebrate species. In silico splice site analysis predicts that this alteration will weaken the native splice acceptor site and may result in the creation or strengthening of a novel splice acceptor site. RNA studies have demonstrated that this alteration results in a splice defect involving exons excluded from naturally occurring transcripts; the clinical impact of this abnormal splicing is unknown at this time (Ambry internal data). Since supporting evidence is limited at this time, the clinical significance of this alteration remains unclear.

Literature cited by the submitters: PubMed 10205261 (cited by Labcorp Genetics (formerly Invitae), Labcorp); PubMed 17304050 (cited by Labcorp Genetics (formerly Invitae), Labcorp); PubMed 17576681 (cited by Labcorp Genetics (formerly Invitae), Labcorp); PubMed 9536098 (cited by Labcorp Genetics (formerly Invitae), Labcorp).

NM_000548.5(TSC2):c.3815-21_3819del

Gene: TSC2 (TSC complex subunit 2; plus strand). Cytogenetic location: 16p13.3.
Variant type: Deletion.
Coding change: c.3815-21_3819del on transcript NM_000548.5 (MANE Select); 21 bases into the intron before coding-DNA position 3815 through coding-DNA position 3819, 26 bases deleted (GCACACGGCCTTCCCTTGCAGTGGCC).
Molecular consequence: splice acceptor variant. On other transcripts: intron variant (33).
Genome position (GRCh38, 1-based): chr16:2,082,415-2,082,440, GCACACGGCCTTCCCTTGCAGTGGCC deleted; deleting any 26 consecutive bases within chr16:2,082,409-2,082,440 gives the same sequence; the c. name uses the placement nearest the transcript's 3' end. VCF-style (leftmost placement, unchanged base first): chr16-2082408-CGTGGCCGCACACGGCCTTCCCTTGCA-C. GRCh37 (hg19) VCF-style: chr16-2132409-CGTGGCCGCACACGGCCTTCCCTTGCA-C.
Other names: c.2341+617_2341+642del (NM_001406693.1, NM_001406692.1, NM_001406694.1); c.3775+617_3775+642del (NM_001406667.1); c.3772+617_3772+642del (NM_001406668.1); c.3215-21_3219del (NM_001406680.1); c.3214+617_3214+642del (NM_001406683.1, NM_001406682.1); c.3082+617_3082+642del (NM_001406687.1, NM_001406688.1); c.2470+617_2470+642del (NM_001406689.1); c.2342-21_2346del (NM_001406690.1); and 25 more.
Identifiers: ClinVar variation 2449971 (VCV002449971.3), dbSNP rs2544187496, ClinGen allele CA2580091040.